The following is an entry in ClinVar:

NM_000210.4(ITGA6):c.1388+8A>T

Genes: ITGA6 (integrin subunit alpha 6; plus strand), PDK1-AS1 (PDK1 and ITGA6 antisense RNA 1; minus strand). Cytogenetic location: 2q31.1.
Variant type: single nucleotide variant.
Coding change: c.1388+8A>T on transcript NM_000210.4 (MANE Select); 8 bases into the intron after coding-DNA position 1388, A replaced by T.
Molecular consequence: intron variant.
Genome position (GRCh38, 1-based): chr2:172,476,521, A>T. VCF-style: chr2-172476521-A-T. GRCh37 (hg19) VCF-style: chr2-173341249-A-T.
Other names: c.1388+8A>T (NM_001365530.2, NM_001365529.2, NM_001079818.3); c.1031+8A>T (NM_001316306.2).
Identifiers: ClinVar variation 332362 (VCV000332362.16), dbSNP rs16860507, ClinGen allele CA1968105.
Genomic context (GRCh38, chr2:172,476,521, plus strand): 5'-TCCTACCCTGATGTTGCTGTTGGTTCCCTCTCAGATTCAGTAACTATTTTCAGGTCTGTT[A>T]TCTATGATTTTAGTGTTAAGCATGTTCTATAATCAGGTTATACTAAAATGTTGACCTTTT-3'

ClinVar aggregate classification (germline): Benign. Review status: criteria provided, multiple submitters, no conflicts (2 of 4 stars). 4 submissions from 4 submitters: Benign (4). Last evaluated 2026-02-02.

Conditions:
Junctional epidermolysis bullosa with pyloric atresia. Also called: ITGB4-Related Epidermolysis Bullosa with Pyloric Atresia; ITGA6-Related Epidermolysis Bullosa with Pyloric Atresia; EPIDERMOLYSIS BULLOSA, JUNCTIONAL 5B, WITH PYLORIC ATRESIA; APLASIA CUTIS CONGENITA WITH GASTROINTESTINAL ATRESIA; CARMI SYNDROME; EB-PA-ACC. Identifiers: Orphanet 79403, MedGen C5676875, MONDO:0009183, OMIM 226730.

Allele frequency attached by ClinVar (database versions not stated): gnomAD exomes 0.00641; ExAC 0.00826; gnomAD 0.02483 and 0.02648; TOPMed 0.02868; ESP Exome Variant Server 0.02906; 1000 Genomes Project 0.03135; 1000 Genomes Project 30x 0.03342.
gnomAD v4.1: 7,115 of 1,459,918 alleles (0.49%); highest among the groups gnomAD compares: African/African-American, 8.6%; 276 homozygotes.

Submissions (4):

Labcorp Genetics (formerly Invitae), Labcorp
Classification: Benign. Last evaluated: 2026-02-02. Review status: criteria provided, single submitter. Criteria: Invitae Variant Classification Sherloc (09022015). Collection method: clinical testing. Allele origin: germline.

GeneDx
Classification: Benign. Last evaluated: 2021-05-12. Review status: criteria provided, single submitter. Criteria: GeneDx Variant Classification Process June 2021. Collection method: clinical testing. Allele origin: germline. Affected: yes.

Illumina Laboratory Services, Illumina
Classification: Benign for Junctional epidermolysis bullosa with pyloric atresia. Last evaluated: 2018-01-13. Review status: criteria provided, single submitter. Criteria: ICSL Variant Classification Criteria 13 December 2019. Collection method: clinical testing. Allele origin: germline.
Comment: This variant was observed in the ICSL laboratory as part of a predisposition screen in an ostensibly healthy population. It had not been previously curated by ICSL or reported in the Human Gene Mutation Database (HGMD: prior to June 1st, 2018), and was therefore a candidate for classification through an automated scoring system. Utilizing variant allele frequency, disease prevalence and penetrance estimates, and inheritance mode, an automated score was calculated to assess if this variant is too frequent to cause the disease. Based on the score and internal cut-off values, a variant classified as benign is not then subjected to further curation. The score for this variant resulted in a classification of benign for this disease.

Breakthrough Genomics
Classification: Benign. Review status: criteria provided, single submitter. Criteria: ACMG Guidelines, 2015. Collection method: not provided. Allele origin: germline. Inheritance: Autosomal recessive inheritance. Affected: yes.